The following is an entry in ClinVar:

NM_001035.3(RYR2):c.14090+319T>C

Gene: RYR2 (ryanodine receptor 2; plus strand). Cytogenetic location: 1q43.
Variant type: single nucleotide variant.
Coding change: c.14090+319T>C on transcript NM_001035.3 (MANE Select); 319 bases into the intron after coding-DNA position 14090, T replaced by C.
Molecular consequence: intron variant.
Genome position (GRCh38, 1-based): chr1:237,798,489, T>C. VCF-style: chr1-237798489-T-C. GRCh37 (hg19) VCF-style: chr1-237961789-T-C.
Identifiers: ClinVar variation 683802 (VCV000683802.1), dbSNP rs2794818, ClinGen allele CA10915930.

ClinVar aggregate classification (germline): Benign (1 of 4 stars; one submission).

Allele frequency attached by ClinVar (database versions not stated): gnomAD 0.66908 and 0.67839; TOPMed 0.67762; 1000 Genomes Project 30x 0.74953; 1000 Genomes Project 0.75699.
gnomAD v4.1: 103,098 of 151,948 alleles (68%); highest among the groups gnomAD compares: East Asian, 95%; 35,414 homozygotes.

Submission:

GeneDx
Classification: Benign. Last evaluated: 2018-06-18. Review status: criteria provided, single submitter. Criteria: GeneDx Variant Classification (06012015). Collection method: clinical testing. Allele origin: germline. Affected: yes.
Comment: This variant is considered likely benign or benign based on one or more of the following criteria: it is a conservative change, it occurs at a poorly conserved position in the protein, it is predicted to be benign by multiple in silico algorithms, and/or has population frequency not consistent with disease.